The following is an entry in ClinVar:

NM_024675.4(PALB2):c.454A>T (p.Lys152Ter)

Gene: PALB2 (partner and localizer of BRCA2; minus strand). Cytogenetic location: 16p12.2.
Variant type: single nucleotide variant.
Coding change: c.454A>T on transcript NM_024675.4 (MANE Select); coding-DNA position 454, A replaced by T.
Protein change: p.Lys152Ter; replaces lysine 152 with a stop codon.
Molecular consequence: nonsense.
Genome position (GRCh38, 1-based): chr16:23,636,092, T>A on the plus strand (A>T on the coding strand, the complement: PALB2 is on the minus strand). VCF-style: chr16-23636092-T-A. GRCh37 (hg19) VCF-style: chr16-23647413-T-A.
Other names: c.394A>T, p.Lys132Ter (NM_001407296.1); c.454A>T, p.Lys152Ter (NM_001407297.1, NM_001407298.1, NM_001407299.1 and 3 more transcripts); c.-432A>T (NM_001407304.1, NM_001407305.1, NM_001407306.1 and 5 more transcripts); short protein forms K132*, K152*.
Identifiers: ClinVar variation 1713227 (VCV001713227.3), dbSNP rs2506511810, ClinGen allele CA395137206.
Genomic context (GRCh38, chr16:23,636,092, plus strand): 5'-ACAATCTGAGTGAATCAGTGCCAAAGACACAGTCTCTCTCCTGTGAAATAAATGTCCTCT[T>A]CTGCTGCTTCTTTCTTCTGCTTGGCAGCTTCTGCTTTTGCTCACCACTAGGGTCACTGAC-3'

ClinVar aggregate classification (germline): Pathogenic/Likely pathogenic. Review status: criteria provided, multiple submitters, no conflicts (2 of 4 stars). 3 submissions from 3 submitters: Pathogenic (1); Likely pathogenic (1). 1 of the submissions does not count toward it. Last evaluated 2025-03-07.

Conditions:
PALB2-related disorder. Also called: PALB2-related condition; PALB2-related disorders.
Hereditary breast ovarian cancer syndrome. Also called: Hereditary breast and ovarian cancer syndrome; Hereditary breast and ovarian cancer syndrome (HBOC); Breast and ovarian cancer; Hereditary breast and/or ovarian cancer syndrome; Hereditary breast and ovarian cancer; BRCA1- and BRCA2-Associated Hereditary Breast and Ovarian Cancer. Identifiers: Orphanet 145, MedGen C0677776, MeSH D061325, MONDO:0003582. Disease mechanism: loss of function.
Familial cancer of breast. Also called: Hereditary breast cancer; BREAST CANCER, FAMILIAL; hereditary breast carcinoma. Identifiers: Orphanet 227535, MedGen C0346153, MONDO:0016419, OMIM 114480. Disease mechanism: loss of function.

Submissions (3):

Rady Children's Institute for Genomic Medicine, Rady Children's Hospital San Diego
Classification: Likely pathogenic for PALB2-related disorder. Last evaluated: 2025-03-07. Review status: criteria provided, single submitter. Criteria: ACMG Guidelines, 2015. Collection method: clinical testing. Allele origin: germline. Affected: yes.
Comment: This nonsense variant found in exon 4 of 13 is predicted to result in loss of normal protein function through either protein truncation or nonsense-mediated mRNA decay (NMD). This variant has been previously reported as a heterozygous change in a patient with breast cancer (PMID: 32761968). The c.454A>T (p.Lys152Ter) variant is absent from the gnomAD population database and thus is presumed to be rare. Based on the available evidence, the c.454A>T (p.Lys152Ter) variant is classified as Likely Pathogenic.

Myriad Genetics, Inc.
Classification: Pathogenic for Familial cancer of breast. Last evaluated: 2023-09-06. Review status: criteria provided, single submitter. Criteria: Myriad Autosomal Dominant, Autosomal Recessive and X-Linked Classification Criteria (2023). Collection method: clinical testing. Allele origin: unknown.
Comment: This variant is considered pathogenic. This variant creates a termination codon and is predicted to result in premature protein truncation.

BRCAlab, Lund University
Classification: Pathogenic for Hereditary breast ovarian cancer syndrome. Last evaluated: 2022-08-26. Review status: no assertion criteria provided. Collection method: clinical testing. Allele origin: germline. Affected: yes. Not counted in ClinVar's aggregate classification.

Literature cited by the submitters: PubMed 32761968 (cited by Rady Children's Institute for Genomic Medicine, Rady Children's Hospital San Diego).